The following is an entry in ClinVar:

ClinVar aggregate classification (germline): Uncertain significance. Review status: criteria provided, multiple submitters, no conflicts (2 of 4 stars). 2 submissions from 2 submitters: Uncertain significance (2). Last evaluated 2025-06-12.

Conditions:
Hypercalcemia, infantile, 1 (HCINF1). Identifiers: Orphanet 300547, MedGen CN031131, MONDO:0020739, OMIM 143880.

gnomAD v4.1: 4 of 1,608,942 alleles (0.00025%); highest among the groups gnomAD compares: Middle Eastern, 0.066%; no homozygotes.

Submissions (2):

Labcorp Genetics (formerly Invitae), Labcorp
Classification: Uncertain significance. Last evaluated: 2025-06-12. Review status: criteria provided, single submitter. Criteria: Invitae Variant Classification Sherloc (09022015). Collection method: clinical testing. Allele origin: germline.
Comment: This sequence change replaces leucine, which is neutral and non-polar, with isoleucine, which is neutral and non-polar, at codon 507 of the CYP24A1 protein (p.Leu507Ile). This variant is not present in population databases (gnomAD no frequency). This variant has not been reported in the literature in individuals affected with CYP24A1-related conditions. ClinVar contains an entry for this variant (Variation ID: 1903225). Invitae Evidence Modeling of protein sequence and biophysical properties (such as structural, functional, and spatial information, amino acid conservation, physicochemical variation, residue mobility, and thermodynamic stability) indicates that this missense variant is not expected to disrupt CYP24A1 protein function with a negative predictive value of 95%. In summary, the available evidence is currently insufficient to determine the role of this variant in disease. Therefore, it has been classified as a Variant of Uncertain Significance.

Fulgent Genetics
Classification: Uncertain significance for Hypercalcemia, infantile, 1. Last evaluated: 2024-01-01. Review status: criteria provided, single submitter. Criteria: ACMG Guidelines, 2015. Collection method: clinical testing. Allele origin: germline.

NM_000782.5(CYP24A1):c.1519C>A (p.Leu507Ile)

Gene: CYP24A1 (cytochrome P450 family 24 subfamily A member 1; minus strand). Cytogenetic location: 20q13.2.
Variant type: single nucleotide variant.
Coding change: c.1519C>A on transcript NM_000782.5 (MANE Select); coding-DNA position 1519, C replaced by A.
Protein change: p.Leu507Ile; replaces leucine 507 with isoleucine.
Molecular consequence: missense variant.
Genome position (GRCh38, 1-based): chr20:54,157,205, G>T on the plus strand (C>A on the coding strand, the complement: CYP24A1 is on the minus strand). VCF-style: chr20-54157205-G-T. GRCh37 (hg19) VCF-style: chr20-52773744-G-T.
Other names: c.1321C>A, p.Leu441Ile (NM_001128915.2); short protein forms L441I, L507I.
Identifiers: ClinVar variation 1903225 (VCV001903225.6), dbSNP rs866890144, ClinGen allele CA316201458.